The following is an entry in ClinVar:

NM_006767.4(LZTR1):c.1564G>A (p.Glu522Lys)

Gene: LZTR1 (leucine zipper like post translational regulator 1; plus strand). Cytogenetic location: 22q11.21.
Variant type: single nucleotide variant.
Coding change: c.1564G>A on transcript NM_006767.4 (MANE Select); coding-DNA position 1564, G replaced by A.
Protein change: p.Glu522Lys; replaces glutamic acid 522 with lysine.
Molecular consequence: missense variant.
Genome position (GRCh38, 1-based): chr22:20,994,218, G>A. VCF-style: chr22-20994218-G-A. GRCh37 (hg19) VCF-style: chr22-21348507-G-A.
Other names: short protein forms E522K.
Identifiers: ClinVar variation 1382249 (VCV001382249.10), dbSNP rs201159165, ClinGen allele CA10118943.

ClinVar aggregate classification (germline): Conflicting classifications of pathogenicity. Review status: criteria provided, conflicting classifications (1 of 4 stars). 2 submissions from 2 submitters: Uncertain significance (1); Likely benign (1). Last evaluated 2026-01-28.

Conditions:
Cardiovascular phenotype. Identifiers: MedGen CN230736.
Hereditary cancer-predisposing syndrome. Also called: Tumor predisposition; Neoplastic Syndromes, Hereditary; Hereditary Cancer Syndrome; Hereditary neoplastic syndrome. Identifiers: Orphanet 140162, MedGen C0027672, MeSH D009386, MONDO:0015356.

Allele frequency attached by ClinVar (database versions not stated): gnomAD 0.00001 and 0.00003; gnomAD exomes 0.00006 and 0.00012; ExAC 0.00013.
gnomAD v4.1: 85 of 1,601,256 alleles (0.0053%); highest among the groups gnomAD compares: South Asian, 0.078%; 1 homozygote.

Submissions (2):

Labcorp Genetics (formerly Invitae), Labcorp
Classification: Uncertain significance. Last evaluated: 2026-01-28. Review status: criteria provided, single submitter. Criteria: Invitae Variant Classification Sherloc (09022015). Collection method: clinical testing. Allele origin: germline.
Comment: This sequence change replaces glutamic acid, which is acidic and polar, with lysine, which is basic and polar, at codon 522 of the LZTR1 protein (p.Glu522Lys). This variant is present in population databases (rs201159165, gnomAD 0.08%). This missense change has been observed in individual(s) with unexplained cardiac arrest (PMID: 35352813). ClinVar contains an entry for this variant (Variation ID: 1382249). Invitae Evidence Modeling of protein sequence and biophysical properties (such as structural, functional, and spatial information, amino acid conservation, physicochemical variation, residue mobility, and thermodynamic stability) indicates that this missense variant is not expected to disrupt LZTR1 protein function with a negative predictive value of 80%. In summary, the available evidence is currently insufficient to determine the role of this variant in disease. Therefore, it has been classified as a Variant of Uncertain Significance.

Ambry Genetics
Classification: Likely benign for Cardiovascular phenotype; Hereditary cancer-predisposing syndrome. Last evaluated: 2025-10-18. Review status: criteria provided, single submitter. Criteria: Ambry Variant Classification Scheme 2023. Collection method: clinical testing. Allele origin: germline.

Literature cited by the submitters: PubMed 35352813 (cited by Labcorp Genetics (formerly Invitae), Labcorp).